The following is an entry in ClinVar:

ClinVar aggregate classification (germline): Uncertain significance. Review status: criteria provided, multiple submitters, no conflicts (2 of 4 stars). 2 submissions from 2 submitters: Uncertain significance (2). Last evaluated 2023-09-23.

Conditions:
STAT3 gain of function. Identifiers: MedGen C4288261.
Hyper-IgE recurrent infection syndrome 1, autosomal dominant. Also called: HYPER-IgE SYNDROME 1, AUTOSOMAL DOMINANT, WITH RECURRENT INFECTIONS; JOB SYNDROME; Job's Syndrome; STAT3 Hyper IgE Syndrome; Hyper-IgE recurrent infection syndrome 1. Identifiers: Orphanet 2314, MedGen C2936739, MONDO:0007818, OMIM 147060.
Inborn genetic diseases. Identifiers: MedGen C0950123, MeSH D030342.

Allele frequency attached by ClinVar (database versions not stated): gnomAD exomes below 0.00001; gnomAD 0.00001; TOPMed 0.00003.
gnomAD v4.1: 3 of 1,613,812 alleles (0.00019%); highest among the groups gnomAD compares: African/African-American, 0.0027%; no homozygotes.

Submissions (2):

Ambry Genetics
Classification: Uncertain significance for Inborn genetic diseases. Last evaluated: 2023-09-23. Review status: criteria provided, single submitter. Criteria: Ambry Variant Classification Scheme 2023. Collection method: clinical testing. Allele origin: germline.

Labcorp Genetics (formerly Invitae), Labcorp
Classification: Uncertain significance for STAT3 gain of function; Hyper-IgE recurrent infection syndrome 1, autosomal dominant. Last evaluated: 2023-07-07. Review status: criteria provided, single submitter. Criteria: Invitae Variant Classification Sherloc (09022015). Collection method: clinical testing. Allele origin: germline.
Comment: In summary, the available evidence is currently insufficient to determine the role of this variant in disease. Therefore, it has been classified as a Variant of Uncertain Significance. Advanced modeling of protein sequence and biophysical properties (such as structural, functional, and spatial information, amino acid conservation, physicochemical variation, residue mobility, and thermodynamic stability) performed at Invitae indicates that this missense variant is not expected to disrupt STAT3 protein function. ClinVar contains an entry for this variant (Variation ID: 1369061). This variant has not been reported in the literature in individuals affected with STAT3-related conditions. This variant is not present in population databases (gnomAD no frequency). This sequence change replaces methionine, which is neutral and non-polar, with valine, which is neutral and non-polar, at codon 770 of the STAT3 protein (p.Met770Val).

NM_139276.3(STAT3):c.2308A>G (p.Met770Val)

Gene: STAT3 (signal transducer and activator of transcription 3; minus strand). Cytogenetic location: 17q21.2.
Variant type: single nucleotide variant.
Coding change: c.2308A>G on transcript NM_139276.3 (MANE Select); coding-DNA position 2308, A replaced by G.
Protein change: p.Met770Val; replaces methionine 770 with valine.
Molecular consequence: missense variant. On other transcripts: 3 prime UTR variant (7).
Genome position (GRCh38, 1-based): chr17:42,315,750, T>C on the plus strand (A>G on the coding strand, the complement: STAT3 is on the minus strand). VCF-style: chr17-42315750-T-C. GRCh37 (hg19) VCF-style: chr17-40467768-T-C.
Other names: c.*89A>G (NM_001369518.1, NM_001369519.1, NM_001369520.1 and 4 more transcripts); c.2224A>G, p.Met742Val (NM_001384984.1); c.2230A>G, p.Met744Val (NM_001384985.1); c.2287A>G, p.Met763Val (NM_001384987.1); c.2212A>G, p.Met738Val (NM_001384988.1); c.2209A>G, p.Met737Val (NM_001384989.1); c.2281A>G, p.Met761Val (NM_001384991.1); c.2308A>G (NM_139276.2); and 4 more; short protein forms M761V, M770V, M742V, M763V, M766V, M744V, M750V, M769V.
Identifiers: ClinVar variation 1369061 (VCV001369061.9), dbSNP rs1372796820, ClinGen allele CA399578866.